The following is an entry in ClinVar:

NM_000051.4(ATM):c.3915_3916del (p.Asp1305fs)

Gene: ATM (ATM serine/threonine kinase; plus strand). Cytogenetic location: 11q22.3.
Variant type: Deletion.
Coding change: c.3915_3916del on transcript NM_000051.4 (MANE Select); coding-DNA positions 3915 to 3916, 2 bases deleted (CA; older notation c.3915_3916delCA).
Protein change: p.Asp1305fs; shifts the reading frame from aspartic acid 1305.
Molecular consequence: frameshift variant.
Genome position (GRCh38, 1-based): chr11:108,284,395-108,284,396, CA deleted; deleting any 2 consecutive bases within chr11:108,284,394-108,284,396 gives the same sequence; the c. name uses the placement nearest the transcript's 3' end. VCF-style (leftmost placement, unchanged base first): chr11-108284393-GAC-G. GRCh37 (hg19) VCF-style: chr11-108155120-GAC-G.
Other names: c.3915_3916del, p.Asp1305fs (NM_001351834.2); short protein forms D1305fs.
Identifiers: ClinVar variation 3148361 (VCV003148361.1), dbSNP rs2546887446, ClinGen allele CA2825001691.

ClinVar aggregate classification (germline): Pathogenic (1 of 4 stars; one submission).

Conditions:
Familial cancer of breast. Also called: BREAST CANCER, FAMILIAL; Hereditary breast cancer; hereditary breast carcinoma. Identifiers: Orphanet 227535, MedGen C0346153, MONDO:0016419, OMIM 114480. Disease mechanism: loss of function.

Submission:

Myriad Genetics, Inc.
Classification: Pathogenic for Familial cancer of breast. Last evaluated: 2024-01-23. Review status: criteria provided, single submitter. Criteria: Myriad Autosomal Dominant, Autosomal Recessive and X-Linked Classification Criteria (2023). Collection method: clinical testing. Allele origin: unknown.
Comment: This variant is considered pathogenic. This variant creates a frameshift predicted to result in premature protein truncation.